The following is an entry in ClinVar:

ClinVar aggregate classification (germline): Uncertain significance (1 of 4 stars; one submission).

Allele frequency attached by ClinVar (database versions not stated): ExAC 0.00002; gnomAD 0.00005; TOPMed 0.00012; 1000 Genomes Project 0.00020; 1000 Genomes Project 30x 0.00031.
gnomAD v4.1: 17 of 1,613,834 alleles (0.0011%); highest among the groups gnomAD compares: African/African-American, 0.02%; no homozygotes.

Submission:

Labcorp Genetics (formerly Invitae), Labcorp
Classification: Uncertain significance. Last evaluated: 2025-04-03. Review status: criteria provided, single submitter. Criteria: Invitae Variant Classification Sherloc (09022015). Collection method: clinical testing. Allele origin: germline.
Comment: This sequence change replaces serine, which is neutral and polar, with tryptophan, which is neutral and slightly polar, at codon 350 of the ZIC4 protein (p.Ser350Trp). This variant is present in population databases (rs75650531, gnomAD 0.02%). This variant has not been reported in the literature in individuals affected with ZIC4-related conditions. ClinVar contains an entry for this variant (Variation ID: 1982284). An algorithm developed to predict the effect of missense changes on protein structure and function (PolyPhen-2) suggests that this variant is likely to be disruptive. In summary, the available evidence is currently insufficient to determine the role of this variant in disease. Therefore, it has been classified as a Variant of Uncertain Significance.

NM_032153.6(ZIC4):c.899C>G (p.Ser300Trp)

Gene: ZIC4 (Zic family zinc finger 4; minus strand). Cytogenetic location: 3q24.
Variant type: single nucleotide variant.
Coding change: c.899C>G on transcript NM_032153.6 (MANE Select); coding-DNA position 899, C replaced by G.
Protein change: p.Ser300Trp; replaces serine 300 with tryptophan.
Molecular consequence: missense variant. On other transcripts: non-coding transcript variant (3).
Genome position (GRCh38, 1-based): chr3:147,391,036, G>C on the plus strand (C>G on the coding strand, the complement: ZIC4 is on the minus strand). VCF-style: chr3-147391036-G-C. GRCh37 (hg19) VCF-style: chr3-147108823-G-C.
Other names: c.1049C>G, p.Ser350Trp (NM_001168378.1); c.1013C>G, p.Ser338Trp (NM_001168379.2); c.281C>G, p.Ser94Trp (NM_001243256.2); short protein forms S300W, S350W, S94W, S338W.
Identifiers: ClinVar variation 1982284 (VCV001982284.4), dbSNP rs75650531, ClinGen allele CA2656688.
Genomic context (GRCh38, chr3:147,391,036, plus strand): 5'-GCCACCTGGGACTTGTGGCCGCAGTCCGACGAGGGCGACACGAGGGCAGACGGTGTAGCC[G>C]AATCGTAGCCAGAGCTGGGCGGCGGCGAGCGCCCGTGCACCTTCATGTGCTTACGCAGCG-3'
Protein context (NP_115529.2, residues 290-310): RSPPPSSGYD[Ser300Trp]ATPSALVSPS